The following is an entry in ClinVar:

ClinVar aggregate classification (germline): Uncertain significance. Review status: criteria provided, multiple submitters, no conflicts (2 of 4 stars). 2 submissions from 2 submitters: Uncertain significance (2). Last evaluated 2021-10-21.

Conditions:
Megacystis-microcolon-intestinal hypoperistalsis syndrome 1. Identifiers: MedGen C5542316, MONDO:0100354, OMIM 249210.
Aortic aneurysm, familial thoracic 7 (AAT7). Also called: AORTIC DISSECTION, FAMILIAL, WITH OR WITHOUT AORTIC ANEURYSM. Identifiers: MedGen C3151077, MONDO:0013418, OMIM 613780.

Allele frequency attached by ClinVar (database versions not stated): TOPMed below 0.00001; gnomAD 0.00001.

Submissions (2):

Fulgent Genetics
Classification: Uncertain significance for Megacystis-microcolon-intestinal hypoperistalsis syndrome 1; Aortic aneurysm, familial thoracic 7. Last evaluated: 2021-10-21. Review status: criteria provided, single submitter. Criteria: ACMG Guidelines, 2015. Collection method: clinical testing. Allele origin: unknown.

Labcorp Genetics (formerly Invitae), Labcorp
Classification: Uncertain significance for Aortic aneurysm, familial thoracic 7. Last evaluated: 2019-02-20. Review status: criteria provided, single submitter. Criteria: Invitae Variant Classification Sherloc (09022015). Collection method: clinical testing. Allele origin: germline.
Comment: This sequence change replaces leucine with valine at codon 796 of the MYLK protein (p.Leu796Val). The leucine residue is highly conserved and there is a small physicochemical difference between leucine and valine. This variant is not present in population databases (ExAC no frequency). This variant has not been reported in the literature in individuals with MYLK-related conditions. Algorithms developed to predict the effect of missense changes on protein structure and function are either unavailable or do not agree on the potential impact of this missense change (SIFT: "Deleterious"; PolyPhen-2: "Benign"; Align-GVGD: "Class C25"). In summary, the available evidence is currently insufficient to determine the role of this variant in disease. Therefore, it has been classified as a Variant of Uncertain Significance.

NM_053025.4(MYLK):c.2386C>G (p.Leu796Val)

Gene: MYLK (myosin light chain kinase; minus strand). Cytogenetic location: 3q21.1.
Variant type: single nucleotide variant.
Coding change: c.2386C>G on transcript NM_053025.4 (MANE Select); coding-DNA position 2386, C replaced by G.
Protein change: p.Leu796Val; replaces leucine 796 with valine.
Molecular consequence: missense variant.
Genome position (GRCh38, 1-based): chr3:123,707,758, G>C on the plus strand (C>G on the coding strand, the complement: MYLK is on the minus strand). VCF-style: chr3-123707758-G-C. GRCh37 (hg19) VCF-style: chr3-123426605-G-C.
Other names: c.1858C>G, p.Leu620Val (NM_001321309.2); c.2179C>G, p.Leu727Val (NM_053026.4, NM_053028.4); c.2386C>G, p.Leu796Val (NM_053027.4); short protein forms L620V, L727V, L796V.
Identifiers: ClinVar variation 850923 (VCV000850923.2), dbSNP rs1229779040, ClinGen allele CA354233538.